The following is an entry in ClinVar:

ClinVar aggregate classification (germline): Uncertain significance (1 of 4 stars; one submission).

Submission:

Labcorp Genetics (formerly Invitae), Labcorp
Classification: Uncertain significance. Last evaluated: 2022-01-04. Review status: criteria provided, single submitter. Criteria: Invitae Variant Classification Sherloc (09022015). Collection method: clinical testing. Allele origin: germline.
Comment: This sequence change replaces aspartic acid, which is acidic and polar, with asparagine, which is neutral and polar, at codon 313 of the EDNRB protein (p.Asp313Asn). This variant is not present in population databases (gnomAD no frequency). This variant has not been reported in the literature in individuals affected with EDNRB-related conditions. Algorithms developed to predict the effect of missense changes on protein structure and function are either unavailable or do not agree on the potential impact of this missense change (SIFT: "Deleterious"; PolyPhen-2: "Benign"; Align-GVGD: "Class C15"). In summary, the available evidence is currently insufficient to determine the role of this variant in disease. Therefore, it has been classified as a Variant of Uncertain Significance.

NM_001122659.3(EDNRB):c.937G>A (p.Asp313Asn)

Genes: EDNRB (endothelin receptor type B; minus strand), EDNRB-AS1 (EDNRB antisense RNA 1; plus strand). Cytogenetic location: 13q22.3.
Variant type: single nucleotide variant.
Coding change: c.937G>A on transcript NM_001122659.3 (MANE Select); coding-DNA position 937, G replaced by A.
Protein change: p.Asp313Asn; replaces aspartic acid 313 with asparagine.
Molecular consequence: missense variant.
Genome position (GRCh38, 1-based): chr13:77,901,072, C>T on the plus strand (G>A on the coding strand, the complement: EDNRB is on the minus strand). VCF-style: chr13-77901072-C-T. GRCh37 (hg19) VCF-style: chr13-78475207-C-T.
Other names: c.937G>A, p.Asp313Asn (NM_000115.5, NM_003991.4); c.1207G>A, p.Asp403Asn (NM_001201397.2); short protein forms D403N, D313N.
Identifiers: ClinVar variation 2074607 (VCV002074607.4), dbSNP rs907722017, ClinGen allele CA253048127.